The following is an entry in ClinVar:

NM_015141.4(GPD1L):c.813G>T (p.Arg271=)

Gene: GPD1L (glycerol-3-phosphate dehydrogenase 1 like; plus strand). Cytogenetic location: 3p22.3.
Variant type: single nucleotide variant.
Coding change: c.813G>T on transcript NM_015141.4 (MANE Select); coding-DNA position 813, G replaced by T.
Protein change: p.Arg271=; no amino-acid change (arginine 271 retained).
Molecular consequence: synonymous variant.
Genome position (GRCh38, 1-based): chr3:32,159,070, G>T. VCF-style: chr3-32159070-G-T. GRCh37 (hg19) VCF-style: chr3-32200562-G-T.
Identifiers: ClinVar variation 241021 (VCV000241021.23), dbSNP rs35464343, ClinGen allele CA2296747.
Genomic context (GRCh38, chr3:32,159,070, plus strand): 5'-AGCCACCTTCCTAGAGAGCTGCGGGGTGGCCGACCTGATCACCACCTGTTACGGAGGGCG[G>T]AACCGCAGGGTGGCCGAGGCCTTCGCCAGAACTGGGAAGGTAGCCCCTCACCTGCTCTCC-3'
Protein context (NP_055956.1, residues 261-281): ADLITTCYGG[Arg271=]NRRVAEAFAR

ClinVar aggregate classification (germline): Conflicting classifications of pathogenicity. Review status: criteria provided, conflicting classifications (1 of 4 stars). 5 submissions from 5 submitters: Uncertain significance (1); Benign (1); Likely benign (3). Last evaluated 2025-12-21.

Conditions:
Cardiovascular phenotype. Identifiers: MedGen CN230736.
Brugada syndrome. Also called: Sudden unexpected nocturnal death syndrome; Sudden Unexplained Death Syndrome; Sudden Unexplained Nocturnal Death Syndrome (SUNDS); Sudden unexplained nocturnal death syndrome. Identifiers: Orphanet 130, MedGen C1142166, MONDO:0015263.
Brugada syndrome 2 (BRGDA2). Identifiers: Orphanet 130, MedGen C2673193, MONDO:0012728, OMIM 611777.

Allele frequency attached by ClinVar (database versions not stated): gnomAD exomes 0.00031; ExAC 0.00037; ESP Exome Variant Server 0.00108; TOPMed 0.00111; 1000 Genomes Project 0.00140; 1000 Genomes Project 30x 0.00156.
gnomAD v4.1: 314 of 1,613,810 alleles (0.019%); highest among the groups gnomAD compares: African/African-American, 0.38%; no homozygotes.

Submissions (5):

Labcorp Genetics (formerly Invitae), Labcorp
Classification: Benign for Brugada syndrome. Last evaluated: 2025-12-21. Review status: criteria provided, single submitter. Criteria: Invitae Variant Classification Sherloc (09022015). Collection method: clinical testing. Allele origin: germline.

Clinical Genomics Laboratory, Washington University in St. Louis
Classification: Uncertain significance for Brugada syndrome 2. Last evaluated: 2025-11-21. Review status: criteria provided, single submitter. Criteria: ACMG Guidelines, 2015. Collection method: clinical testing. Allele origin: germline.
Comment: The GPD1L c.813G>T (p.Arg271=) variant, to our knowledge, has not been reported in the medical literature, however, has been reported in the ClinVar database (Variation ID: 241021) as a germline benign/likely benign variant by four submitters. This variant is observed in 108/280,738 alleles in the general population (gnomAD v2.1.1). The GPD1L c.813G>T (p.Arg271=) is a synonymous variant and computational predictors suggest that the variant does not impact GPD1L function. Due to limited information, the clinical significance of this variant is uncertain.

GeneDx
Classification: Likely benign. Last evaluated: 2021-06-15. Review status: criteria provided, single submitter. Criteria: GeneDx Variant Classification Process June 2021. Collection method: clinical testing. Allele origin: germline. Affected: yes.

ARUP Laboratories, Molecular Genetics and Genomics, ARUP Laboratories
Classification: Likely benign for Brugada syndrome 2. Last evaluated: 2021-02-04. Review status: criteria provided, single submitter. Criteria: ARUP Molecular Germline Variant Investigation Process 2021. Collection method: clinical testing. Allele origin: germline.

Ambry Genetics
Classification: Likely benign for Cardiovascular phenotype. Last evaluated: 2015-09-17. Review status: criteria provided, single submitter. Criteria: Ambry Variant Classification Scheme 2023. Collection method: clinical testing. Allele origin: germline.